The following is an entry in ClinVar:

NM_001145809.2(MYH14):c.1251G>A (p.Thr417=)

Gene: MYH14 (myosin heavy chain 14; plus strand). Cytogenetic location: 19q13.33.
Variant type: single nucleotide variant.
Coding change: c.1251G>A on transcript NM_001145809.2 (MANE Select); coding-DNA position 1251, G replaced by A.
Protein change: p.Thr417=; no amino-acid change (threonine 417 retained).
Molecular consequence: synonymous variant.
Genome position (GRCh38, 1-based): chr19:50,247,044, G>A. VCF-style: chr19-50247044-G-A. GRCh37 (hg19) VCF-style: chr19-50750301-G-A.
Other names: c.1251G>A, p.Thr417= (NM_001077186.2); c.1227G>A, p.Thr409= (NM_024729.4); c.1251G>A (NM_001145809.1).
Identifiers: ClinVar variation 929974 (VCV000929974.13), dbSNP rs759132835, ClinGen allele CA9592573.

ClinVar aggregate classification (germline): Benign/Likely benign. Review status: criteria provided, multiple submitters, no conflicts (2 of 4 stars). 5 submissions from 5 submitters: Benign (2); Likely benign (2). 1 of the submissions does not count toward it. Last evaluated 2026-04-06.

Conditions:
MYH14-related disorder. Also called: MYH14-related condition.

Allele frequency attached by ClinVar (database versions not stated): gnomAD 0.00003 and 0.00002; 1000 Genomes Project 30x 0.00031; gnomAD exomes 0.00003 and 0.00014; ExAC 0.00010; TOPMed 0.00004.
gnomAD v4.1: 54 of 1,613,174 alleles (0.0033%); highest among the groups gnomAD compares: Admixed American, 0.075%; no homozygotes.

Submissions (5):

Women's Health and Genetics/Laboratory Corporation of America, LabCorp
Classification: Benign. Last evaluated: 2026-04-06. Review status: criteria provided, single submitter. Criteria: LabCorp Variant Classification Summary - May 2015. Collection method: clinical testing. Allele origin: germline.

Labcorp Genetics (formerly Invitae), Labcorp
Classification: Benign. Last evaluated: 2025-08-01. Review status: criteria provided, single submitter. Criteria: Invitae Variant Classification Sherloc (09022015). Collection method: clinical testing. Allele origin: germline.

Blueprint Genetics
Classification: Likely benign. Last evaluated: 2022-06-29. Review status: criteria provided, single submitter. Criteria: ACMG Guidelines, 2015. Collection method: clinical testing. Allele origin: germline.

Laboratory for Molecular Medicine, Mass General Brigham Personalized Medicine
Classification: Likely benign. Last evaluated: 2017-08-23. Review status: criteria provided, single submitter. Criteria: LMM Criteria. Collection method: clinical testing. Allele origin: germline. Observed: 1 variant allele.
Comment: p.Thr417Thr in exon 12 of MYH14: This variant is not expected to have clinical significance because it does not alter an amino acid residue and is not located within the splice consensus sequence. It has been identified in 0.11% (11/10162) of Latino chromosomes by the Exome Aggregation Consortium (ExAC; dbSNP rs759132835).

PreventionGenetics, part of Exact Sciences
Classification: Likely benign for MYH14-related condition. Last evaluated: 2019-07-15. Review status: no assertion criteria provided. Collection method: clinical testing. Allele origin: germline. Not counted in ClinVar's aggregate classification.
Comment: This variant is classified as likely benign based on ACMG/AMP sequence variant interpretation guidelines (Richards et al. 2015 PMID: 25741868, with internal and published modifications).